The following is an entry in ClinVar:

ClinVar aggregate classification (germline): Pathogenic (1 of 4 stars; one submission).

Conditions:
Familial adenomatous polyposis 1 (FAP1). Also called: POLYPOSIS, ADENOMATOUS INTESTINAL; FAMILIAL ADENOMATOUS POLYPOSIS 1, ATTENUATED. Identifiers: MedGen C2713442, MONDO:0021056, OMIM 175100. Disease mechanism: loss of function.

Submission:

Myriad Genetics, Inc.
Classification: Pathogenic for Familial adenomatous polyposis 1. Last evaluated: 2023-05-05. Review status: criteria provided, single submitter. Criteria: Myriad Autosomal Dominant, Autosomal Recessive and X-Linked Classification Criteria (2023). Collection method: clinical testing. Allele origin: unknown.
Comment: This variant is considered pathogenic. This variant creates a frameshift predicted to result in premature protein truncation.

NM_000038.6(APC):c.2890_2896del (p.Leu964fs)

Gene: APC (APC regulator of Wnt signaling pathway; plus strand). Cytogenetic location: 5q22.2.
Variant type: Deletion.
Coding change: c.2890_2896del on transcript NM_000038.6 (MANE Select); coding-DNA positions 2890 to 2896, 7 bases deleted (TTAAATA; older notation c.2890_2896delTTAAATA).
Protein change: p.Leu964fs; shifts the reading frame from leucine 964.
Molecular consequence: frameshift variant. On other transcripts: non-coding transcript variant (2).
Genome position (GRCh38, 1-based): chr5:112,838,484-112,838,490, TTAAATA deleted. VCF-style (leftmost placement, unchanged base first): chr5-112838483-TTTAAATA-T. GRCh37 (hg19) VCF-style: chr5-112174180-TTTAAATA-T.
Other names: c.2890_2896del, p.Leu964fs (NM_001127510.3, NM_001354895.2, NM_001407450.1); c.2836_2842del, p.Leu946fs (NM_001127511.3); c.2944_2950del, p.Leu982fs (NM_001354896.2, NM_001407447.1, NM_001407448.1 and 1 more transcripts); c.2920_2926del, p.Leu974fs (NM_001354897.2); c.2815_2821del, p.Leu939fs (NM_001354898.2); c.2806_2812del, p.Leu936fs (NM_001354899.2); c.2767_2773del, p.Leu923fs (NM_001354900.2); c.2713_2719del, p.Leu905fs (NM_001354901.2, NM_001407453.1); and 11 more; short protein forms L580fs, L681fs, L804fs, L835fs, L838fs, L863fs, L873fs, L881fs.
Identifiers: ClinVar variation 2583672 (VCV002583672.2), dbSNP rs2533457159, ClinGen allele CA2582341442.
Genomic context (GRCh38, chr5:112,838,483, plus strand): 5'-AAATAGGACATGTTCTATGCCTTATGCCAAATTAGAATACAAGAGATCTTCAAATGATAG[TTTAAATA>T]GTGTCAGTAGTAGTGATGGTTATGGTAAAAGAGGTCAAATGAAACCCTCGATTGAATCCT-3'